The following is an entry in ClinVar:

NM_001244008.2(KIF1A):c.5092G>A (p.Val1698Met)

Gene: KIF1A (kinesin family member 1A; minus strand). Cytogenetic location: 2q37.3.
Variant type: single nucleotide variant.
Coding change: c.5092G>A on transcript NM_001244008.2 (MANE Select); coding-DNA position 5092, G replaced by A.
Protein change: p.Val1698Met; replaces valine 1698 with methionine.
Molecular consequence: missense variant.
Genome position (GRCh38, 1-based): chr2:240,719,128, C>T on the plus strand (G>A on the coding strand, the complement: KIF1A is on the minus strand). VCF-style: chr2-240719128-C-T. GRCh37 (hg19) VCF-style: chr2-241658545-C-T.
Other names: c.4816G>A, p.Val1606Met (NM_001320705.2, NM_001379649.1); c.4843G>A, p.Val1615Met (NM_001330289.2); c.4891G>A, p.Val1631Met (NM_001330290.2, NM_001379648.1); c.5167G>A, p.Val1723Met (NM_001379631.1); c.5068G>A, p.Val1690Met (NM_001379632.1); c.5065G>A, p.Val1689Met (NM_001379633.1, NM_001379645.1); c.4918G>A, p.Val1640Met (NM_001379634.1); c.4915G>A, p.Val1639Met (NM_001379635.1, NM_001379646.1); and 9 more; short protein forms V1597M, V1698M, V1606M, V1615M, V1631M, V1596M, V1605M, V1614M.
Identifiers: ClinVar variation 435626 (VCV000435626.20), dbSNP rs769279843, ClinGen allele CA2207177.

ClinVar aggregate classification (germline): Conflicting classifications of pathogenicity. Review status: criteria provided, conflicting classifications (1 of 4 stars). 7 submissions from 7 submitters: Uncertain significance (6); Likely benign (1). Last evaluated 2026-05-26.

Conditions:
KIF1A-related disorder. Also called: KIF1A-related disorders; KIF1A-related condition.
Inborn genetic diseases. Identifiers: MedGen C0950123, MeSH D030342.
Hereditary spastic paraplegia 30. Identifiers: Orphanet 101010, MedGen C5235139, MONDO:0012476.
Intellectual disability, autosomal dominant 9 (NESCAVS). Also called: NESCAV SYNDROME; KIF1A-Related Neurodevelopmental Disorder. Identifiers: Orphanet 662367, MedGen C5393830, MONDO:0013656, OMIM 614255.
Neuropathy, hereditary sensory, type 2C. Also called: Hereditary sensory and autonomic neuropathy type IIC; KIF1A-Related HSAN2 (HSAN2C). Identifiers: Orphanet 970, MedGen C3280168, MONDO:0013634, OMIM 614213.

Allele frequency attached by ClinVar (database versions not stated): gnomAD exomes 0.00002 and 0.00003; ExAC 0.00003; TOPMed 0.00004; gnomAD 0.00005 and 0.00006.
gnomAD v4.1: 52 of 1,612,436 alleles (0.0032%); highest among the groups gnomAD compares: Middle Eastern, 0.016%; no homozygotes.

Submissions (7):

PreventionGenetics, part of Exact Sciences
Classification: Uncertain significance for KIF1A-related condition. Last evaluated: 2026-05-26. Review status: criteria provided, single submitter. Criteria: ACMG Guidelines, 2015. Collection method: clinical testing. Allele origin: germline.
Comment: The KIF1A c.5092G>A variant is predicted to result in the amino acid substitution p.Val1698Met. To our knowledge, this variant has not been reported in the literature. This variant is reported in 0.0085% of alleles in individuals of Latino descent in gnomAD. At this time, the clinical significance of this variant is uncertain due to the absence of conclusive functional and genetic evidence.

Labcorp Genetics (formerly Invitae), Labcorp
Classification: Likely benign for Hereditary spastic paraplegia 30; Neuropathy, hereditary sensory, type 2C; Intellectual disability, autosomal dominant 9. Last evaluated: 2025-11-05. Review status: criteria provided, single submitter. Criteria: Invitae Variant Classification Sherloc (09022015). Collection method: clinical testing. Allele origin: germline.

Blueprint Genetics
Classification: Uncertain significance. Last evaluated: 2024-07-09. Review status: criteria provided, single submitter. Criteria: ACMG Guidelines, 2015. Collection method: clinical testing. Allele origin: germline.

Revvity Omics, Revvity
Classification: Uncertain significance. Last evaluated: 2023-11-07. Review status: criteria provided, single submitter. Criteria: ACMG Guidelines, 2015. Collection method: clinical testing. Allele origin: germline.

GeneDx
Classification: Uncertain significance. Last evaluated: 2023-10-03. Review status: criteria provided, single submitter. Criteria: GeneDx Variant Classification Process June 2021. Collection method: clinical testing. Allele origin: germline. Affected: yes.
Comment: In silico analysis supports that this missense variant has a deleterious effect on protein structure/function; Has not been previously published as pathogenic or benign to our knowledge; This variant is associated with the following publications: (PMID: 21376300, 21820098, 26125038)

Ambry Genetics
Classification: Uncertain significance for Inborn genetic diseases. Last evaluated: 2021-10-15. Review status: criteria provided, single submitter. Criteria: Ambry Variant Classification Scheme 2023. Collection method: clinical testing. Allele origin: germline.

Genetic Services Laboratory, University of Chicago
Classification: Uncertain significance. Last evaluated: 2015-10-20. Review status: criteria provided, single submitter. Criteria: ACMG Guidelines, 2015. Collection method: clinical testing. Allele origin: germline. Affected: no.